The following is an entry in ClinVar:

ClinVar aggregate classification (germline): Uncertain significance. Review status: criteria provided, multiple submitters, no conflicts (2 of 4 stars). 3 submissions from 3 submitters: Uncertain significance (3). Last evaluated 2024-01-22.

Conditions:
Jeune thoracic dystrophy. Also called: Jeune syndrome; Infantile thoracic dystrophy; Thoracic pelvic phalangeal dystrophy; Jeune's syndrome; Chondroectodermal dysplasia-like syndrome; Short-rib thoracic dysplasia. Identifiers: Orphanet 474, MedGen C0265275, MONDO:0018770.
Inborn genetic diseases. Identifiers: MedGen C0950123, MeSH D030342.
Asphyxiating thoracic dystrophy 2 (SRTD2). Also called: SHORT-RIB THORACIC DYSPLASIA 2 WITH POLYDACTYLY; SHORT-RIB THORACIC DYSPLASIA 2 WITHOUT POLYDACTYLY; SHORT-RIB THORACIC DYSPLASIA 2 WITH OR WITHOUT POLYDACTYLY. Identifiers: Orphanet 474, MedGen C1970005, MONDO:0012644, OMIM 611263.

Allele frequency attached by ClinVar (database versions not stated): gnomAD 0.00001; gnomAD exomes 0.00001.

Submissions (3):

Fulgent Genetics
Classification: Uncertain significance for Asphyxiating thoracic dystrophy 2. Last evaluated: 2024-01-22. Review status: criteria provided, single submitter. Criteria: ACMG Guidelines, 2015. Collection method: clinical testing. Allele origin: germline.

Ambry Genetics
Classification: Uncertain significance for Inborn genetic diseases. Last evaluated: 2023-10-13. Review status: criteria provided, single submitter. Criteria: Ambry Variant Classification Scheme 2023. Collection method: clinical testing. Allele origin: germline.

Labcorp Genetics (formerly Invitae), Labcorp
Classification: Uncertain significance for Jeune thoracic dystrophy. Last evaluated: 2022-05-07. Review status: criteria provided, single submitter. Criteria: Invitae Variant Classification Sherloc (09022015). Collection method: clinical testing. Allele origin: germline.
Comment: This sequence change replaces arginine, which is basic and polar, with glutamine, which is neutral and polar, at codon 495 of the IFT80 protein (p.Arg495Gln). This variant is present in population databases (no rsID available, gnomAD 0.002%). This variant has not been reported in the literature in individuals affected with IFT80-related conditions. Algorithms developed to predict the effect of missense changes on protein structure and function (SIFT, PolyPhen-2, Align-GVGD) all suggest that this variant is likely to be tolerated. In summary, the available evidence is currently insufficient to determine the role of this variant in disease. Therefore, it has been classified as a Variant of Uncertain Significance.

NM_020800.3(IFT80):c.1484G>A (p.Arg495Gln)

Genes: TRIM59-IFT80 (TRIM59-IFT80 readthrough (NMD candidate); minus strand), IFT80 (intraflagellar transport 80; minus strand). Cytogenetic location: 3q25.33.
Variant type: single nucleotide variant.
Coding change: c.1484G>A on transcript NM_020800.3 (MANE Select); coding-DNA position 1484, G replaced by A.
Protein change: p.Arg495Gln; replaces arginine 495 with glutamine.
Molecular consequence: missense variant. On other transcripts: non-coding transcript variant (3).
Genome position (GRCh38, 1-based): chr3:160,282,510, C>T on the plus strand (G>A on the coding strand, the complement: IFT80 is on the minus strand). VCF-style: chr3-160282510-C-T. GRCh37 (hg19) VCF-style: chr3-160000298-C-T.
Other names: c.1073G>A, p.Arg358Gln (NM_001190241.2, NM_001190242.2); c.1484G>A (NM_020800.2); short protein forms R358Q, R495Q.
Identifiers: ClinVar variation 1941741 (VCV001941741.4), dbSNP rs1445517798, ClinGen allele CA355192065.